The following is an entry in ClinVar:

ClinVar aggregate classification (germline): Conflicting classifications of pathogenicity. Review status: criteria provided, conflicting classifications (1 of 4 stars). 7 submissions from 7 submitters: Uncertain significance (5); Benign (1). 1 of the submissions does not count toward it. Last evaluated 2026-10-23.

Conditions:
FGG-related disorder. Also called: FGG-related condition.
FIBRINOGEN PARIS 1.
Congenital afibrinogenemia. Identifiers: Orphanet 335, Orphanet 98880, MedGen C2584774, MONDO:0008737, OMIM 202400.

Allele frequency attached by ClinVar (database versions not stated): 1000 Genomes Project 0.00260; 1000 Genomes Project 30x 0.00281; gnomAD 0.00529 and 0.00546; TOPMed 0.00535.
gnomAD v4.1: 811 of 152,250 alleles (0.53%); highest among the groups gnomAD compares: Non-Finnish European, 0.89%; 3 homozygotes.

Submissions (7):

Mendelics
Classification: Uncertain significance for Congenital afibrinogenemia. Last evaluated: 2026-10-23. Review status: criteria provided, single submitter. Criteria: Mendelics Assertion Criteria 2019. Collection method: clinical testing. Allele origin: germline.
Comment: Variant NM_021870.3:c.1129+632A>G has GnomAD v4.1.1 frequency of 0.005327 with 811 genotyped allels (3 homozygotes). In-silico prediction suggesting benign. Internal frequency and other ClinVar submissions confirming not pathogenicity.

PreventionGenetics, part of Exact Sciences
Classification: Uncertain significance for FGG-related condition. Last evaluated: 2026-04-13. Review status: criteria provided, single submitter. Criteria: ACMG Guidelines, 2015. Collection method: clinical testing. Allele origin: germline.
Comment: The FGG c.1129+632A>G variant is predicted to interfere with splicing. This variant (as n.6588A>G) has been reported in an individual with dysfibrinogenemia and was functionally shown to result in the insertion of a 45 bp fragment between exons 8 and 9 during splicing (Rosenberg et al. 1993. PubMed ID: 8470043). This variant is reported in 1.0% of alleles in individuals of Ashkenazi Jewish descent in gnomAD. At this time, the clinical significance of this variant is uncertain due to the absence of conclusive functional and genetic evidence.

Women's Health and Genetics/Laboratory Corporation of America, LabCorp
Classification: Uncertain significance. Last evaluated: 2026-04-13. Review status: criteria provided, single submitter. Criteria: LabCorp Variant Classification Summary - May 2015. Collection method: clinical testing. Allele origin: germline.
Comment: Variant summary: FGG c.1129+632A>G is located at a position not widely known to affect splicing. Several computational tools predict a significant impact on normal splicing: Two predict the variant creates a cryptic 3 acceptor site. Two predict the variant no significant impact on splicing. At least one publication reports experimental evidence that this variant affects mRNA splicing, resulting in a 45 base pair and 15 amino acid insertion between exons 8 and 9 (Rosenberg_1993). The variant allele was found at a frequency of 0.0046 in 31402 control chromosomes (gnomAD). The observed variant frequency exceeds the estimated maximal expected allele frequency for disease-causing variants in FGG. c.1129+632A>G has been reported in the literature in an individual affected with Congenital Dysfibrinogenemia (Rosenberg_1993). These data do not allow any conclusion about variant significance. The following publication have been ascertained in the context of this evaluation (PMID: 8470043). ClinVar contains an entry for this variant (Variation ID: 16371). Based on the evidence outlined above, the variant was classified as uncertain significance.

Blueprint Genetics
Classification: Uncertain significance. Last evaluated: 2024-11-22. Review status: criteria provided, single submitter. Criteria: ACMG Guidelines, 2015. Collection method: clinical testing. Allele origin: germline.

CeGaT Center for Human Genetics Tuebingen
Classification: Benign. Last evaluated: 2024-09-01. Review status: criteria provided, single submitter. Criteria: CeGaT Center For Human Genetics Tuebingen Variant Classification Criteria Version 2. Collection method: clinical testing. Allele origin: germline. Affected: yes. Observed: 4 variant alleles.
Comment: FGG: BS1, BS2

Department of Pathology and Laboratory Medicine, Sinai Health System
Classification: Uncertain significance for Congenital afibrinogenemia. Last evaluated: 2023-08-09. Review status: criteria provided, single submitter. Criteria: ACMG Guidelines, 2015. Collection method: research. Allele origin: germline.

OMIM
Classification: other for FIBRINOGEN PARIS 1. Last evaluated: 2014-09-26. Review status: no assertion criteria provided. Collection method: literature only. Allele origin: germline. Not counted in ClinVar's aggregate classification.

Literature cited by the submitters: PubMed 8470043 (cited by Women's Health and Genetics/Laboratory Corporation of America, LabCorp and OMIM); Menache, D. Constitutional and familial abnormal fibrinogen. Thromb. Diath. Haemorrh. 10 (suppl. 13): 173-185, 1964. (cited by OMIM); PubMed 4427684 (cited by OMIM); Marder, V. J. Personal Communication. 1974. Philadelphia, Pa. (cited by OMIM); PubMed 1249208 (cited by OMIM).

FIBRINOGEN PARIS 1

Gene: FGG (fibrinogen gamma chain; minus strand). Cytogenetic location: 4q32.1.
Variant type: single nucleotide variant.
Molecular consequence: intron variant (on NM_021870.3).
Genome position: GRCh38 VCF-style: chr4-154606073-T-C. GRCh37 (hg19) VCF-style: chr4-155527225-T-C.
Other names: c.1129+632A>G (NM_000509.6, NM_021870.3, NM_021870.2 and 1 more transcripts).
Identifiers: ClinVar variation 16371 (VCV000016371.36), dbSNP rs2066862, ClinGen allele CA108774636.